The following is an entry in ClinVar:

NM_004035.7(ACOX1):c.340C>T (p.Gln114Ter)

Gene: ACOX1 (acyl-CoA oxidase 1; minus strand). Cytogenetic location: 17q25.1.
Variant type: single nucleotide variant.
Coding change: c.340C>T on transcript NM_004035.7 (MANE Select); coding-DNA position 340, C replaced by T.
Protein change: p.Gln114Ter; replaces glutamine 114 with a stop codon.
Molecular consequence: nonsense. On other transcripts: intron variant (1).
Genome position (GRCh38, 1-based): chr17:75,960,305, G>A on the plus strand (C>T on the coding strand, the complement: ACOX1 is on the minus strand). VCF-style: chr17-75960305-G-A. GRCh37 (hg19) VCF-style: chr17-73956386-G-A.
Other names: p.Gln114*; c.226C>T, p.Gln76Ter (NM_001185039.2); c.431-2739C>T (NM_007292.6); short protein forms Q114*, Q76*.
Identifiers: ClinVar variation 4542219 (VCV004542219.2).

ClinVar aggregate classification (germline): Pathogenic/Likely pathogenic. Review status: criteria provided, multiple submitters, no conflicts (2 of 4 stars). 2 submissions from 2 submitters: Pathogenic (1); Likely pathogenic (1). Last evaluated 2025-12-10.

Conditions:
Acyl-CoA oxidase deficiency. Also called: STRAIGHT-CHAIN ACYL-CoA OXIDASE DEFICIENCY; Peroxisomal acyl-CoA oxidase deficiency; Pseudoneonatal adrenoleukodystrophy. Identifiers: Orphanet 2971, MedGen C1849678, MONDO:0009919, OMIM 264470. Disease mechanism: loss of function.

Submissions (2):

Labcorp Genetics (formerly Invitae), Labcorp
Classification: Pathogenic for Acyl-CoA oxidase deficiency. Last evaluated: 2025-12-10. Review status: criteria provided, single submitter. Criteria: Invitae Variant Classification Sherloc (09022015). Collection method: clinical testing. Allele origin: germline.
Comment: This sequence change creates a premature translational stop signal (p.Gln114*) in the ACOX1 gene. It is expected to result in an absent or disrupted protein product. Loss-of-function variants in ACOX1 are known to be pathogenic (PMID: 8040306, 17458872). This variant is not present in population databases (gnomAD no frequency). This variant has not been reported in the literature in individuals affected with ACOX1-related conditions. Algorithms developed to predict the effect of sequence changes on RNA splicing suggest that this variant may disrupt the consensus splice site. For these reasons, this variant has been classified as Pathogenic.

Mayo Clinic Laboratories, Mayo Clinic
Classification: Likely pathogenic. Last evaluated: 2025-02-11. Review status: criteria provided, single submitter. Criteria: ACMG Guidelines, 2015. Collection method: clinical testing. Allele origin: germline. Observed: 1 variant allele.
Comment: PM2_supporting, PVS1

Literature cited by the submitters: PubMed 8040306 (cited by Labcorp Genetics (formerly Invitae), Labcorp); PubMed 17458872 (cited by Labcorp Genetics (formerly Invitae), Labcorp).